The following is an entry in ClinVar:

ClinVar aggregate classification (germline): Uncertain significance (1 of 4 stars; one submission).

gnomAD v4.1: 2 of 1,603,796 alleles (0.00012%); highest among the groups gnomAD compares: Non-Finnish European, 0.00017%; no homozygotes.

Submission:

Labcorp Genetics (formerly Invitae), Labcorp
Classification: Uncertain significance. Last evaluated: 2025-03-19. Review status: criteria provided, single submitter. Criteria: Invitae Variant Classification Sherloc (09022015). Collection method: clinical testing. Allele origin: germline.
Comment: This sequence change replaces proline, which is neutral and non-polar, with leucine, which is neutral and non-polar, at codon 1053 of the AP3D1 protein (p.Pro1053Leu). This variant is not present in population databases (gnomAD no frequency). This variant has not been reported in the literature in individuals affected with AP3D1-related conditions. ClinVar contains an entry for this variant (Variation ID: 2983926). An algorithm developed to predict the effect of missense changes on protein structure and function (PolyPhen-2) suggests that this variant is likely to be tolerated. In summary, the available evidence is currently insufficient to determine the role of this variant in disease. Therefore, it has been classified as a Variant of Uncertain Significance.

NM_001261826.3(AP3D1):c.3158C>T (p.Pro1053Leu)

Gene: AP3D1 (adaptor related protein complex 3 subunit delta 1; minus strand). Cytogenetic location: 19p13.3.
Variant type: single nucleotide variant.
Coding change: c.3158C>T on transcript NM_001261826.3 (MANE Select); coding-DNA position 3158, C replaced by T.
Protein change: p.Pro1053Leu; replaces proline 1053 with leucine.
Molecular consequence: missense variant.
Genome position (GRCh38, 1-based): chr19:2,110,724, G>A on the plus strand (C>T on the coding strand, the complement: AP3D1 is on the minus strand). VCF-style: chr19-2110724-G-A. GRCh37 (hg19) VCF-style: chr19-2110723-G-A.
Other names: c.3122C>T, p.Pro1041Leu (NM_001374799.1); c.2972C>T, p.Pro991Leu (NM_003938.8); short protein forms P1041L, P1053L, P991L.
Identifiers: ClinVar variation 2983926 (VCV002983926.3), dbSNP rs201595321, ClinGen allele CA304148742.